The following is an entry in ClinVar:

ClinVar aggregate classification (germline): Uncertain significance. Review status: criteria provided, multiple submitters, no conflicts (2 of 4 stars). 2 submissions from 2 submitters: Uncertain significance (2). Last evaluated 2024-10-16.

Conditions:
DPAGT1-congenital disorder of glycosylation. Also called: CONGENITAL DISORDER OF GLYCOSYLATION, TYPE Ij; CDG Ij; DPAGT1-CDG. Identifiers: Orphanet 86309, MedGen C2931004, MONDO:0011964, OMIM 608093.
Congenital myasthenic syndrome 13 (CMS13). Also called: Myasthenic syndrome, congenital, 13, with tubular aggregates; Myasthenic syndrome, congenital, with tubular aggregates 2. Identifiers: Orphanet 353327, Orphanet 590, MedGen C3553645, MONDO:0013883, OMIM 614750.
Inborn genetic diseases. Identifiers: MedGen C0950123, MeSH D030342.

Allele frequency attached by ClinVar (database versions not stated): gnomAD exomes 0.00001; ExAC 0.00002.
gnomAD v4.1: 7 of 1,614,280 alleles (0.00043%); highest among the groups gnomAD compares: Admixed American, 0.01%; no homozygotes.

Submissions (2):

Labcorp Genetics (formerly Invitae), Labcorp
Classification: Uncertain significance for Congenital myasthenic syndrome 13; DPAGT1-congenital disorder of glycosylation. Last evaluated: 2024-10-16. Review status: criteria provided, single submitter. Criteria: Invitae Variant Classification Sherloc (09022015). Collection method: clinical testing. Allele origin: germline.
Comment: This sequence change replaces valine, which is neutral and non-polar, with isoleucine, which is neutral and non-polar, at codon 26 of the DPAGT1 protein (p.Val26Ile). This variant is present in population databases (rs769601711, gnomAD 0.02%). This variant has not been reported in the literature in individuals affected with DPAGT1-related conditions. ClinVar contains an entry for this variant (Variation ID: 2203841). Invitae Evidence Modeling of protein sequence and biophysical properties (such as structural, functional, and spatial information, amino acid conservation, physicochemical variation, residue mobility, and thermodynamic stability) indicates that this missense variant is not expected to disrupt DPAGT1 protein function with a negative predictive value of 80%. In summary, the available evidence is currently insufficient to determine the role of this variant in disease. Therefore, it has been classified as a Variant of Uncertain Significance.

Ambry Genetics
Classification: Uncertain significance for Inborn genetic diseases. Last evaluated: 2022-06-13. Review status: criteria provided, single submitter. Criteria: Ambry Variant Classification Scheme 2023. Collection method: clinical testing. Allele origin: germline.

NM_001382.4(DPAGT1):c.76G>A (p.Val26Ile)

Genes: DPAGT1 (dolichyl-phosphate N-acetylglucosaminephosphotransferase 1; minus strand), LOC126861360 (BRD4-independent group 4 enhancer GRCh37_chr11:118972216-118973415; plus strand). Cytogenetic location: 11q23.3.
Variant type: single nucleotide variant.
Coding change: c.76G>A on transcript NM_001382.4 (MANE Select); coding-DNA position 76, G replaced by A.
Protein change: p.Val26Ile; replaces valine 26 with isoleucine.
Molecular consequence: missense variant.
Genome position (GRCh38, 1-based): chr11:119,101,580, C>T on the plus strand (G>A on the coding strand, the complement: DPAGT1 is on the minus strand). VCF-style: chr11-119101580-C-T. GRCh37 (hg19) VCF-style: chr11-118972290-C-T.
Other names: c.76G>A (NM_001382.3); short protein forms V26I.
Identifiers: ClinVar variation 2203841 (VCV002203841.9), dbSNP rs769601711, ClinGen allele CA6314731.
Genomic context (GRCh38, chr11:119,101,580, plus strand): 5'-GGTCCTGACCACAGAGGCGCGCAGCAATGAAGTGGCCCCGGAAGGCCGGGATGAGGGTGA[C>T]TGTGGCCACAAATCCCAGCAGCGAGACGATCAAATTGATCAGCAGCGGCATGGGCAATTC-3'
Protein context (NP_001373.2, residues 16-36): IVSLLGFVAT[Val26Ile]TLIPAFRGHF